The following is an entry in ClinVar:

NM_001164508.2(NEB):c.24400_24401dup (p.Lys8135fs)

Genes: NEB (nebulin; minus strand), RIF1 (replication timing regulatory factor 1; plus strand). Cytogenetic location: 2q23.3.
Variant type: Microsatellite.
Coding change: c.24400_24401dup on transcript NM_001164508.2 (MANE Select); coding-DNA positions 24400 to 24401, 2 bases duplicated (TA; older notation c.24400_24401dupTA).
Protein change: p.Lys8135fs; shifts the reading frame from lysine 8135.
Molecular consequence: frameshift variant.
Genome position (GRCh38, 1-based): chr2:151,496,361-151,496,362, TA duplicated on the plus strand (TA on the coding strand, the reverse complement: NEB is on the minus strand); duplicating any 2 consecutive bases within chr2:151,496,361-151,496,364 gives the same sequence; the c. name uses the placement nearest the transcript's 3' end. VCF-style (leftmost placement, unchanged base first): chr2-151496360-G-GTA. GRCh37 (hg19) VCF-style: chr2-152352874-G-GTA.
Other names: c.24400_24401dup, p.Lys8135fs (NM_001164507.2); c.24503_24504TA[3], p.Lys8170Thrfs (NM_001271208.1); c.24505_24506dup, p.Lys8170fs (NM_001271208.2); c.18832_18833dup, p.Lys6279fs (NM_004543.5); c.24505_24506dup (NM_001271208.1); short protein forms K6279fs, K8135fs, K8170fs.
Identifiers: ClinVar variation 4058724 (VCV004058724.3).
Genomic context (GRCh38, chr2:151,496,360, plus strand): 5'-TTTGACTCGCTCCATCTCGGGAGTGACAGCTAAAGGAGTTCCCTTGCCCATGTTTTCTTT[G>GTA]TATAACACCTGTGCGATGAGAAAGCATCCAGAAAAACAACCATGAGTAACATTTCATTTG-3'

ClinVar aggregate classification (germline): Pathogenic/Likely pathogenic. Review status: criteria provided, multiple submitters, no conflicts (2 of 4 stars). 2 submissions from 2 submitters: Pathogenic (1); Likely pathogenic (1). Last evaluated 2025-02-19.

Conditions:
Nemaline myopathy 2 (NEM2). Also called: Nemaline myopathy 2, autosomal recessive. Identifiers: MedGen C1850569, MONDO:0009725, OMIM 256030.

Submissions (2):

Natera, Inc.
Classification: Likely pathogenic for Nemaline myopathy type 2. Last evaluated: 2025-02-19. Review status: criteria provided, single submitter. Criteria: Natera Variant Classification Schema (03/2026). Collection method: clinical testing. Allele origin: germline.
Comment: The c.24505_24506dup variant in NEB is a frameshift variant predicted to shift the reading frame beginning at codon 8170 and leads to a stop codon 11 codons downstream. This variant is expected to result in nonsense mediated decay, truncation, or a dysfunctional protein product. This variant is rare in the general population with a frequency below the threshold expected for the associated phenotype(s). Given the available evidence, this variant is classified as Likely Pathogenic.

Myriad Genetics, Inc.
Classification: Pathogenic for Nemaline myopathy 2. Last evaluated: 2024-01-22. Review status: criteria provided, single submitter. Criteria: Myriad Autosomal Dominant, Autosomal Recessive and X-Linked Classification Criteria (2023). Collection method: clinical testing. Allele origin: unknown.
Comment: NM_001271208.1(NEB):c.24505_24506dupTA(K8170Tfs*11) is expected to be pathogenic in the context of NEB-related nemaline myopathy. This variant is predicted to lead to an abnormal or absent protein product due to the creation of a premature termination codon in NEB, a gene where loss-of-function variants are known to be pathogenic. Please note: this variant was assessed in the context of healthy population screening.